The following is an entry in ClinVar:

NM_007294.4(BRCA1):c.5510_5511delinsCT (p.Trp1837Ser)

Gene: BRCA1 (BRCA1 DNA repair associated; minus strand). Cytogenetic location: 17q21.31.
Variant type: Indel.
Coding change: c.5510_5511delinsCT on transcript NM_007294.4 (MANE Select); coding-DNA positions 5510 to 5511, GG replaced by CT.
Protein change: p.Trp1837Ser; replaces tryptophan 1837 with serine.
Molecular consequence: missense variant. On other transcripts: 3 prime UTR variant (1), non-coding transcript variant (1).
Genome position (GRCh38, 1-based): chr17:43,045,759-43,045,760, CC replaced by AG on the plus strand (GG replaced by CT on the coding strand, the reverse complement: BRCA1 is on the minus strand). VCF-style: chr17-43045759-CC-AG. GRCh37 (hg19) VCF-style: chr17-41197776-CC-AG.
Other names: c.5504_5505delGGinsCT, p.Trp1835Ser (NM_001407639.1, NM_001407640.1, NM_001407641.1 and 13 more transcripts); c.5501_5502delGGinsCT, p.Trp1834Ser (NM_001407644.1, NM_001407645.1); c.5498_5499delGGinsCT, p.Trp1833Ser (NM_001407646.1); c.5495_5496delGGinsCT, p.Trp1832Ser (NM_001407647.1); c.5453_5454delGGinsCT, p.Trp1818Ser (NM_001407648.1); c.5450_5451delGGinsCT, p.Trp1817Ser (NM_001407649.1); c.5432_5433delGGinsCT, p.Trp1811Ser (NM_001407652.1, NM_001407653.1, NM_001407654.1 and 1 more transcripts); c.5429_5430delGGinsCT, p.Trp1810Ser (NM_001407656.1, NM_001407657.1, NM_001407658.1); and 77 more; short protein forms W1790S, W1837S, W1858S, W733S, W1683S, W1770S, W1793S, W1794S.
Identifiers: ClinVar variation 1065962 (VCV001065962.10), dbSNP rs2152547868, ClinGen allele CA2499224343.

ClinVar aggregate classification (germline): Likely pathogenic. Review status: criteria provided, multiple submitters, no conflicts (2 of 4 stars). 3 submissions from 3 submitters: Likely pathogenic (3). Last evaluated 2025-09-05.

Conditions:
Hereditary cancer-predisposing syndrome. Also called: Hereditary Cancer Syndrome; Hereditary neoplastic syndrome; Neoplastic Syndromes, Hereditary; Tumor predisposition. Identifiers: Orphanet 140162, MedGen C0027672, MeSH D009386, MONDO:0015356.
Hereditary breast ovarian cancer syndrome. Also called: Hereditary breast and ovarian cancer syndrome (HBOC); Breast and ovarian cancer; Hereditary breast and/or ovarian cancer syndrome; BRCA1- and BRCA2-Associated Hereditary Breast and Ovarian Cancer; Hereditary breast and ovarian cancer syndrome; Hereditary breast and ovarian cancer. Identifiers: Orphanet 145, MedGen C0677776, MeSH D061325, MONDO:0003582. Disease mechanism: loss of function.

Submissions (3):

Ambry Genetics
Classification: Likely pathogenic for Hereditary cancer-predisposing syndrome. Last evaluated: 2025-09-05. Review status: criteria provided, single submitter. Criteria: Ambry Variant Classification Scheme 2023. Collection method: clinical testing. Allele origin: germline.
Comment: The c.5510_5511delGGinsCT variant (also known as p.W1837S), located in coding exon 22 of the BRCA1 gene, results from an in-frame deletion of GG and insertion of CT at nucleotide positions 5510 to 5511. This results in the substitution of the W residue for an S residue at codon 1837, an amino acid with highly dissimilar properties. One functional study found that this amino acid substitution is non-functional in a high throughput genome editing haploid cell survival assay (Findlay GM et al. Nature, 2018 Oct;562:217-222). This amino acid position is highly conserved in available vertebrate species. In addition, this alteration is predicted to be deleterious by in silico analysis. Based on the majority of available evidence to date, this variant is likely to be pathogenic.

ARUP Laboratories, Molecular Genetics and Genomics, ARUP Laboratories
Classification: Likely pathogenic. Last evaluated: 2023-10-04. Review status: criteria provided, single submitter. Criteria: ARUP Molecular Germline Variant Investigation Process 2024. Collection method: clinical testing. Allele origin: germline.
Comment: The BRCA1 c.5510_5511delinsCT; p.Trp1837Ser variant, to our knowledge, is not reported in the medical literature but is reported in ClinVar (Variation ID: 1065962). This variant is also absent from the Genome Aggregation Database, indicating it is not a common polymorphism. Another variant resulting in the same amino acid change (c.5510G>C; p.Trp1837Ser) has been reported in individuals with breast and/or ovarian cancer (Kechin 2023, Wang 2019), and computational analyses predict that the p.Trp1837Ser variant is deleterious (REVEL: 0.854). Additionally, other amino acid substitutions at this codon (Arg, Gly, Cys) have been reported in individuals with breast and/or ovarian cancer (Abkevich 2004, Tran 2022, Wan 2019). Based on available information, the c.5510_5511delinsCT; p.Trp1837Ser variant is considered to be likely pathogenic. References: Abkevich V et al. Analysis of missense variation in human BRCA1 in the context of interspecific sequence variation. J Med Genet. 2004 Jul;41(7):492-507. PMID: 15235020. Kechin A et al. A spectrum of BRCA1 and BRCA2 germline deleterious variants in ovarian cancer in Russia. Breast Cancer Res Treat. 2023 Jan;197(2):387-395. PMID: 36367610. Tran VT et al. Pathogenic Variant Profile of Hereditary Cancer Syndromes in a Vietnamese Cohort. Front Oncol. 2022 Jan 5;11:789659. PMID: 35070997. Wan Q et al. Clinical phenotypes combined with saturation genome editing identifying the pathogenicity of BRCA1 variants of uncertain significance in breast cancer. Fam Cancer. 2021 Apr;20(2):85-95. PMID: 32803532. Wang J et al. Germline mutation landscape of Chinese patients with familial breast/ovarian cancer in a panel of 22 susceptibility genes. Cancer Med. 2019 May;8(5):2074-2084. PMID: 30982232.

Labcorp Genetics (formerly Invitae), Labcorp
Classification: Likely pathogenic for Hereditary breast ovarian cancer syndrome. Last evaluated: 2020-02-27. Review status: criteria provided, single submitter. Criteria: Invitae Variant Classification Sherloc (09022015). Collection method: clinical testing. Allele origin: germline.
Comment: In summary, the currently available evidence indicates that the variant is pathogenic, but additional data are needed to prove that conclusively. Therefore, this variant has been classified as Likely Pathogenic. This variant disrupts the p.Trp1837 amino acid residue in BRCA1. Other variant(s) that disrupt this residue have been determined to be pathogenic (PMID: 28324225, 11802209, 27741520, 8968102, 15689452, 20516115, 27802165, 16267036). This suggests that this residue is clinically significant, and that variants that disrupt this residue are likely to be disease-causing. Advanced modeling of protein sequence and biophysical properties (such as structural, functional, and spatial information, amino acid conservation, physicochemical variation, residue mobility, and thermodynamic stability) performed at Invitae indicates that this missense variant is expected to disrupt BRCA1 protein function. Additionally, another variant causing the same amino acid change, c.5510G>C, has been reported to affect BRCA1 protein function (PMID: 30209399). This variant has not been reported in the literature in individuals with BRCA1-related conditions. This variant is not present in population databases (ExAC no frequency). This sequence change replaces tryptophan with serine at codon 1837 of the BRCA1 protein (p.Trp1837Ser). The tryptophan residue is highly conserved and there is a large physicochemical difference between tryptophan and serine.

Literature cited by the submitters: PubMed 28324225 (cited by Labcorp Genetics (formerly Invitae), Labcorp); PubMed 11802209 (cited by Labcorp Genetics (formerly Invitae), Labcorp); PubMed 27741520 (cited by Labcorp Genetics (formerly Invitae), Labcorp); PubMed 8968102 (cited by Labcorp Genetics (formerly Invitae), Labcorp); PubMed 15689452 (cited by Labcorp Genetics (formerly Invitae), Labcorp); PubMed 20516115 (cited by Labcorp Genetics (formerly Invitae), Labcorp); PubMed 27802165 (cited by Labcorp Genetics (formerly Invitae), Labcorp); PubMed 16267036 (cited by Labcorp Genetics (formerly Invitae), Labcorp); PubMed 30209399 (cited by Labcorp Genetics (formerly Invitae), Labcorp).